The following is an entry in ClinVar:

ClinVar aggregate classification (germline): Uncertain significance (1 of 4 stars; one submission).

Conditions:
Developmental and epileptic encephalopathy, 14 (DEE14). Also called: Early infantile epileptic encephalopathy 14. Identifiers: Orphanet 293181, MedGen C3554195, MONDO:0013989, OMIM 614959.
Autosomal dominant nocturnal frontal lobe epilepsy 5. Also called: Epilepsy, nocturnal frontal lobe, 5; KCNT1-Related Epilepsy; CILIARY DYSKINESIA, PRIMARY, 28, WITHOUT SITUS INVERSUS; CILIARY DYSKINESIA, PRIMARY, 28, WITH SITUS INVERSUS. Identifiers: Orphanet 98784, MedGen C3554306, MONDO:0014002, OMIM 615005.

Submission:

Labcorp Genetics (formerly Invitae), Labcorp
Classification: Uncertain significance for Autosomal dominant nocturnal frontal lobe epilepsy 5; Developmental and epileptic encephalopathy, 14. Last evaluated: 2023-08-16. Review status: criteria provided, single submitter. Criteria: Invitae Variant Classification Sherloc (09022015). Collection method: clinical testing. Allele origin: unknown.
Comment: This variant results in a copy number gain of the genomic region encompassing exon(s) 26-27 of the KCNT1 gene. While the exact position of this variant cannot be determined from the data, sub-genic copy number gains are generally in tandem (PMID: 25640679). This variant is predicted to be in-frame, and likely preserves the integrity of the reading frame. In summary, the available evidence is currently insufficient to determine the role of this variant in disease. Therefore, it has been classified as a Variant of Uncertain Significance. Experimental studies and prediction algorithms are not available or were not evaluated, and the functional significance of this variant is currently unknown. This variant has not been reported in the literature in individuals affected with KCNT1-related conditions.

Literature cited by the submitters: PubMed 25640679.

NC_000009.11:g.(?_138676361)_(138676755_?)dup

Gene: KCNT1 (potassium sodium-activated channel subfamily T member 1; plus strand). Cytogenetic location: 9q34.3.
Variant type: Duplication.
Identifiers: ClinVar variation 3245256 (VCV003245256.1).